The following is an entry in ClinVar:

NM_015057.5(MYCBP2):c.1897A>G (p.Ile633Val)

Gene: MYCBP2 (MYC binding protein 2; minus strand). Cytogenetic location: 13q22.3.
Variant type: single nucleotide variant.
Coding change: c.1897A>G on transcript NM_015057.5 (MANE Select); coding-DNA position 1897, A replaced by G.
Protein change: p.Ile633Val; replaces isoleucine 633 with valine.
Molecular consequence: missense variant.
Genome position (GRCh38, 1-based): chr13:77,260,548, T>C on the plus strand (A>G on the coding strand, the complement: MYCBP2 is on the minus strand). VCF-style: chr13-77260548-T-C. GRCh37 (hg19) VCF-style: chr13-77834683-T-C.
Other names: short protein forms I633V.
Identifiers: ClinVar variation 5008666 (VCV005008666.1).

ClinVar aggregate classification (germline): Uncertain significance (1 of 4 stars; one submission).

Submission:

GeneDx
Classification: Uncertain significance. Last evaluated: 2026-03-10. Review status: criteria provided, single submitter. Criteria: GeneDx Variant Classification Process June 2021. Collection method: clinical testing. Allele origin: germline.
Comment: Not observed at significant frequency in large population cohorts (gnomAD); In silico analysis suggests that this missense variant does not alter protein structure/function; Has not been previously published as pathogenic or benign to our knowledge